The following is an entry in ClinVar:

ClinVar aggregate classification (germline): Benign (1 of 4 stars; one submission).

Allele frequency attached by ClinVar (database versions not stated): TOPMed 0.00175; ESP Exome Variant Server 0.00177; gnomAD 0.00228; 1000 Genomes Project 30x 0.00265; 1000 Genomes Project 0.00280; gnomAD exomes 0.00310; ExAC 0.00362.
gnomAD v4.1: 4,886 of 1,613,004 alleles (0.3%); highest among the groups gnomAD compares: South Asian, 1.4%; 32 homozygotes.

Submission:

CeGaT Center for Human Genetics Tuebingen
Classification: Benign. Last evaluated: 2022-11-01. Review status: criteria provided, single submitter. Criteria: CeGaT Center For Human Genetics Tuebingen Variant Classification Criteria Version 2. Collection method: clinical testing. Allele origin: germline. Affected: yes. Observed: 1 variant allele.
Comment: TSKU: BP4, BP7, BS1, BS2

NM_015516.4(TSKU):c.30C>T (p.Ala10=)

Gene: TSKU (tsukushi, small leucine rich proteoglycan; plus strand). Cytogenetic location: 11q13.5.
Variant type: single nucleotide variant.
Coding change: c.30C>T on transcript NM_015516.4 (MANE Select); coding-DNA position 30, C replaced by T.
Protein change: p.Ala10=; no amino-acid change (alanine 10 retained).
Molecular consequence: synonymous variant.
Genome position (GRCh38, 1-based): chr11:76,795,646, C>T. VCF-style: chr11-76795646-C-T. GRCh37 (hg19) VCF-style: chr11-76506690-C-T.
Other names: c.30C>T, p.Ala10= (NM_001258210.2, NM_001318478.2, NM_001318479.2); c.72C>T, p.Ala24= (NM_001318477.2).
Identifiers: ClinVar variation 2642174 (VCV002642174.24), dbSNP rs148573319, ClinGen allele CA6195280.